The following is an entry in ClinVar:

NM_181705.4(LYRM7):c.114A>T (p.Glu38Asp)

Gene: LYRM7 (LYR motif containing 7; plus strand). Cytogenetic location: 5q23.3.
Variant type: single nucleotide variant.
Coding change: c.114A>T on transcript NM_181705.4 (MANE Select); coding-DNA position 114, A replaced by T.
Protein change: p.Glu38Asp; replaces glutamic acid 38 with aspartic acid.
Molecular consequence: missense variant.
Genome position (GRCh38, 1-based): chr5:131,182,251, A>T. VCF-style: chr5-131182251-A-T. GRCh37 (hg19) VCF-style: chr5-130517944-A-T.
Other names: c.114A>T, p.Glu38Asp (NM_001293735.2); short protein forms E38D.
Identifiers: ClinVar variation 2016657 (VCV002016657.4), dbSNP rs199715117, ClinGen allele CA360839494.

ClinVar aggregate classification (germline): Uncertain significance (1 of 4 stars; one submission).

Submission:

Labcorp Genetics (formerly Invitae), Labcorp
Classification: Uncertain significance. Last evaluated: 2023-10-03. Review status: criteria provided, single submitter. Criteria: Invitae Variant Classification Sherloc (09022015). Collection method: clinical testing. Allele origin: germline.
Comment: This sequence change replaces glutamic acid, which is acidic and polar, with aspartic acid, which is acidic and polar, at codon 38 of the LYRM7 protein (p.Glu38Asp). This variant is not present in population databases (gnomAD no frequency). This variant has not been reported in the literature in individuals affected with LYRM7-related conditions. ClinVar contains an entry for this variant (Variation ID: 2016657). An algorithm developed to predict the effect of missense changes on protein structure and function (PolyPhen-2) suggests that this variant is likely to be disruptive. In summary, the available evidence is currently insufficient to determine the role of this variant in disease. Therefore, it has been classified as a Variant of Uncertain Significance.